The following is an entry in ClinVar:

NM_005585.5(SMAD6):c.1213C>G (p.Arg405Gly)

Gene: SMAD6 (SMAD family member 6; plus strand). Cytogenetic location: 15q22.31.
Variant type: single nucleotide variant.
Coding change: c.1213C>G on transcript NM_005585.5 (MANE Select); coding-DNA position 1213, C replaced by G.
Protein change: p.Arg405Gly; replaces arginine 405 with glycine.
Molecular consequence: missense variant. On other transcripts: non-coding transcript variant (1).
Genome position (GRCh38, 1-based): chr15:66,781,257, C>G. VCF-style: chr15-66781257-C-G. GRCh37 (hg19) VCF-style: chr15-67073595-C-G.
Other names: short protein forms R405G.
Identifiers: ClinVar variation 1750937 (VCV001750937.2), dbSNP rs1263836234, ClinGen allele CA393202099.

ClinVar aggregate classification (germline): Uncertain significance (1 of 4 stars; one submission).

Conditions:
Inborn genetic diseases. Identifiers: MedGen C0950123, MeSH D030342.

Submission:

Ambry Genetics
Classification: Uncertain significance for Inborn genetic diseases. Last evaluated: 2022-03-07. Review status: criteria provided, single submitter. Criteria: Ambry Variant Classification Scheme 2023. Collection method: clinical testing. Allele origin: germline.
Comment: The p.R405G variant (also known as c.1213C>G), located in coding exon 4 of the SMAD6 gene, results from a C to G substitution at nucleotide position 1213. The arginine at codon 405 is replaced by glycine, an amino acid with dissimilar properties. This amino acid position is conserved. In addition, this alteration is predicted to be deleterious by in silico analysis. Since supporting evidence is limited at this time, the clinical significance of this alteration remains unclear.